The following is an entry in ClinVar:

ClinVar aggregate classification (germline): Uncertain significance (1 of 4 stars; one submission).

Conditions:
Hyperaldosteronism, familial, type IV (HALD4). Also called: FH IV; ALDOSTERONISM, PRIMARY, AND HYPERTENSION. Identifiers: Orphanet 642671, MedGen C4310756, MONDO:0014875, OMIM 617027.
Idiopathic generalized epilepsy. Also called: Generalised epilepsy; EIG. Identifiers: MedGen C0270850, MONDO:0005579, OMIM 600669.

Allele frequency attached by ClinVar (database versions not stated): ExAC 0.00001; gnomAD 0.00001; gnomAD exomes 0.00001; TOPMed 0.00001.
gnomAD v4.1: 5 of 1,612,680 alleles (0.00031%); highest among the groups gnomAD compares: Non-Finnish European, 0.00042%; no homozygotes.

Submission:

Labcorp Genetics (formerly Invitae), Labcorp
Classification: Uncertain significance for Idiopathic generalized epilepsy; Hyperaldosteronism, familial, type IV. Last evaluated: 2020-12-03. Review status: criteria provided, single submitter. Criteria: Invitae Variant Classification Sherloc (09022015). Collection method: clinical testing. Allele origin: germline.
Comment: In summary, the available evidence is currently insufficient to determine the role of this variant in disease. Therefore, it has been classified as a Variant of Uncertain Significance. Advanced modeling of protein sequence and biophysical properties (such as structural, functional, and spatial information, amino acid conservation, physicochemical variation, residue mobility, and thermodynamic stability) performed at Invitae indicates that this missense variant is not expected to disrupt CACNA1H protein function. This variant has not been reported in the literature in individuals with CACNA1H-related conditions. This variant is present in population databases (rs771028729, ExAC 0.002%). This sequence change replaces glycine with arginine at codon 2298 of the CACNA1H protein (p.Gly2298Arg). The glycine residue is weakly conserved and there is a moderate physicochemical difference between glycine and arginine.

NM_021098.3(CACNA1H):c.6892G>C (p.Gly2298Arg)

Gene: CACNA1H (calcium voltage-gated channel subunit alpha1 H; plus strand). Cytogenetic location: 16p13.3.
Variant type: single nucleotide variant.
Coding change: c.6892G>C on transcript NM_021098.3 (MANE Select); coding-DNA position 6892, G replaced by C.
Protein change: p.Gly2298Arg; replaces glycine 2298 with arginine.
Molecular consequence: missense variant.
Genome position (GRCh38, 1-based): chr16:1,220,824, G>C. VCF-style: chr16-1220824-G-C. GRCh37 (hg19) VCF-style: chr16-1270824-G-C.
Other names: c.6874G>C, p.Gly2292Arg (NM_001005407.2); short protein forms G2292R, G2298R.
Identifiers: ClinVar variation 1394612 (VCV001394612.8), dbSNP rs771028729, ClinGen allele CA7802537.
Genomic context (GRCh38, chr16:1,220,824, plus strand): 5'-GGAGACCCTTTCTTGGACGGTAGCCACAGTGTGACCCCAGAATCCAGAGCTTCCTCTTCA[G>C]GGGCCATAGTGCCCCTGGAACCCCCAGAATCAGAGCCTCCCATGCCCGTCGGTGACCCCC-3'
Protein context (NP_066921.2, residues 2288-2308): VTPESRASSS[Gly2298Arg]AIVPLEPPES